The following is an entry in ClinVar:

ClinVar aggregate classification (germline): Uncertain significance. Review status: criteria provided, multiple submitters, no conflicts (2 of 4 stars). 2 submissions from 2 submitters: Uncertain significance (2). Last evaluated 2023-10-09.

Conditions:
Congenital myasthenic syndrome 21. Also called: Myasthenic syndrome, congenital, 21, presynaptic. Identifiers: MedGen C4310654, MONDO:0014983, OMIM 617239.

Allele frequency attached by ClinVar (database versions not stated): gnomAD exomes 0.00022; ExAC 0.00014; gnomAD 0.00016; TOPMed 0.00019; 1000 Genomes Project 0.00020; ESP Exome Variant Server 0.00008; 1000 Genomes Project 30x 0.00016.
gnomAD v4.1: 405 of 1,611,124 alleles (0.025%); highest among the groups gnomAD compares: Admixed American, 0.047%; no homozygotes.

Submissions (2):

Revvity Omics, Revvity
Classification: Uncertain significance for Congenital myasthenic syndrome 21. Last evaluated: 2023-10-09. Review status: criteria provided, single submitter. Criteria: ACMG Guidelines, 2015. Collection method: clinical testing. Allele origin: germline.

Labcorp Genetics (formerly Invitae), Labcorp
Classification: Uncertain significance. Last evaluated: 2022-09-22. Review status: criteria provided, single submitter. Criteria: Invitae Variant Classification Sherloc (09022015). Collection method: clinical testing. Allele origin: germline.
Comment: This sequence change replaces isoleucine, which is neutral and non-polar, with methionine, which is neutral and non-polar, at codon 61 of the SLC18A3 protein (p.Ile61Met). This variant is present in population databases (rs77672173, gnomAD 0.07%). This variant has not been reported in the literature in individuals affected with SLC18A3-related conditions. ClinVar contains an entry for this variant (Variation ID: 1394695). Advanced modeling of protein sequence and biophysical properties (such as structural, functional, and spatial information, amino acid conservation, physicochemical variation, residue mobility, and thermodynamic stability) performed at Invitae indicates that this missense variant is not expected to disrupt SLC18A3 protein function. In summary, the available evidence is currently insufficient to determine the role of this variant in disease. Therefore, it has been classified as a Variant of Uncertain Significance.

NM_003055.3(SLC18A3):c.183C>G (p.Ile61Met)

Genes: CHAT (choline O-acetyltransferase; plus strand), SLC18A3 (solute carrier family 18 member A3; plus strand). Cytogenetic location: 10q11.23.
Variant type: single nucleotide variant.
Coding change: c.183C>G on transcript NM_003055.3 (MANE Select); coding-DNA position 183, C replaced by G.
Protein change: p.Ile61Met; replaces isoleucine 61 with methionine.
Molecular consequence: missense variant. On other transcripts: intron variant (1).
Genome position (GRCh38, 1-based): chr10:49,610,923, C>G. VCF-style: chr10-49610923-C-G. GRCh37 (hg19) VCF-style: chr10-50818969-C-G.
Other names: c.-69+1724C>G (NM_020984.4); short protein forms I61M.
Identifiers: ClinVar variation 1394695 (VCV001394695.5), dbSNP rs77672173, ClinGen allele CA5496703.